The following is an entry in ClinVar:

ClinVar aggregate classification (germline): Pathogenic (1 of 4 stars; one submission).

Conditions:
Familial cancer of breast. Also called: Hereditary breast cancer; hereditary breast carcinoma; BREAST CANCER, FAMILIAL. Identifiers: Orphanet 227535, MedGen C0346153, MONDO:0016419, OMIM 114480. Disease mechanism: loss of function.

Submission:

Labcorp Genetics (formerly Invitae), Labcorp
Classification: Pathogenic for Familial cancer of breast. Last evaluated: 2022-10-12. Review status: criteria provided, single submitter. Criteria: Invitae Variant Classification Sherloc (09022015). Collection method: clinical testing. Allele origin: germline.
Comment: For these reasons, this variant has been classified as Pathogenic. This variant has not been reported in the literature in individuals affected with BARD1-related conditions. This variant is a gross deletion of the genomic region encompassing exon(s) 2-4 of the BARD1 gene. This deletion is out-of-frame, and is expected to create a premature termination codon and result in an absent or disrupted protein product. Loss-of-function variants in BARD1 are known to be pathogenic (PMID: 20077502, 21344236).

Literature cited by the submitters: PubMed 20077502; PubMed 21344236.

NC_000002.11:g.(?_215645274)_(215661851_?)del

Gene: BARD1 (BRCA1 associated RING domain 1; minus strand). Cytogenetic location: 2q35.
Variant type: Deletion.
Identifiers: ClinVar variation 2423123 (VCV002423123.4).